The following is an entry in ClinVar:

ClinVar aggregate classification (germline): Benign/Likely benign. Review status: criteria provided, multiple submitters, no conflicts (2 of 4 stars). 17 submissions from 14 submitters: Benign (6); Likely benign (8). 3 of the submissions do not count toward it. Last evaluated 2026-01-27.

Conditions:
Cardiovascular phenotype. Identifiers: MedGen CN230736.
TTN-related disorder. Also called: TTN-related condition; TTN-related disease; TTN-related disorders.
Autosomal recessive limb-girdle muscular dystrophy type 2J (LGMDR10). Also called: Limb-girdle muscular dystrophy, type 2J; MUSCULAR DYSTROPHY, LIMB-GIRDLE, AUTOSOMAL RECESSIVE 10. Identifiers: Orphanet 140922, MedGen C1837342, MONDO:0012127, OMIM 608807.
Dilated cardiomyopathy 1G (CMD1G). Identifiers: Orphanet 154, MedGen C1858763, MONDO:0011400, OMIM 604145.
Early-onset myopathy with fatal cardiomyopathy (CMYO5). Also called: Salih Myopathy; CONGENITAL MYOPATHY 5 WITH CARDIOMYOPATHY. Identifiers: Orphanet 289377, MedGen C2673677, MONDO:0012714, OMIM 611705. Disease mechanism: loss of function.
Myopathy, myofibrillar, 9, with early respiratory failure (MFM9). Also called: Hereditary myopathy with early respiratory failure; EDSTROM MYOPATHY; MYOPATHY, PROXIMAL, WITH EARLY RESPIRATORY MUSCLE INVOLVEMENT; Myopathy, distal, with early respiratory failure, autosomal dominant. Identifiers: Orphanet 178464, Orphanet 34521, MedGen C1863599, MONDO:0011362, OMIM 603689.
Tibial muscular dystrophy (TMD). Also called: UDD MYOPATHY; Udd Distal Myopathy – Tibial Muscular Dystrophy; Tibial muscular dystrophy, tardive. Identifiers: Orphanet 609, MedGen C1838244, MONDO:0010870, OMIM 600334.

Allele frequency attached by ClinVar (database versions not stated): gnomAD exomes 0.00007 and 0.00032; ExAC 0.00039; gnomAD 0.00104 and 0.00108; TOPMed 0.00121; 1000 Genomes Project 0.00140; ESP Exome Variant Server 0.00149; 1000 Genomes Project 30x 0.00172.

Submissions (17):

Labcorp Genetics (formerly Invitae), Labcorp
Classification: Likely benign for Dilated cardiomyopathy 1G; Autosomal recessive limb-girdle muscular dystrophy type 2J. Last evaluated: 2026-01-27. Review status: criteria provided, single submitter. Criteria: Invitae Variant Classification Sherloc (09022015). Collection method: clinical testing. Allele origin: germline.

Molecular Diagnostic Laboratory for Inherited Cardiovascular Disease, Montreal Heart Institute
Classification: Benign. Last evaluated: 2025-04-09. Review status: criteria provided, single submitter. Criteria: ACMG Guidelines, 2015. Collection method: clinical testing. Allele origin: germline. Affected: no.
Comment: BS1;BP1;BP6

Women's Health and Genetics/Laboratory Corporation of America, LabCorp
Classification: Likely benign. Last evaluated: 2025-01-30. Review status: criteria provided, single submitter. Criteria: LabCorp Variant Classification Summary - May 2015. Collection method: clinical testing. Allele origin: germline.
Comment: Variant summary: TTN c.10361-1887G>A is located at a position not widely known to affect splicing. This variant corresponds to c.12986G>A (p.Arg4329Lys) in NM_001267550, and is located in exon 48. Consensus agreement among computation tools predict no significant impact on normal splicing. However, these predictions have yet to be confirmed by functional studies. The variant allele was found at a frequency of 0.0004 in 279720 control chromosomes, predominantly at a frequency of 0.0044 within the African or African-American subpopulation in the gnomAD database (v2.1 dataset), including 1 homozygote. The observed variant frequency within African or African-American control individuals in the gnomAD database exceeds the estimated maximal expected allele frequency for a pathogenic variant in TTN causing Autosomal Recessive Titinopathy phenotype or other TTN-related conditions. c.10361-1887G>A has been reported in the literature in at least one individual affected with Arrhythmogenic Right Ventricular Cardiomyopathy/Dysplasia without supporting evidence for causality (e.g. Fedida_2017). This report does not provide unequivocal conclusions about association of the variant with Cardiomyopathy. To our knowledge, no experimental evidence demonstrating an impact on protein function has been reported. The following publication has been ascertained in the context of this evaluation (PMID: 28767663). ClinVar contains an entry for this variant (Variation ID: 47832). Based on the evidence outlined above, the variant was classified as likely benign.

Blueprint Genetics
Classification: Likely benign. Last evaluated: 2024-11-11. Review status: criteria provided, single submitter. Criteria: ACMG Guidelines, 2015. Collection method: clinical testing. Allele origin: germline.

Genome-Nilou Lab
Classification: Benign for Autosomal recessive limb-girdle muscular dystrophy type 2J. Last evaluated: 2021-09-10. Review status: criteria provided, single submitter. Criteria: ACMG Guidelines, 2015. Collection method: clinical testing. Allele origin: germline. Affected: no.

Genome-Nilou Lab
Classification: Benign for Myopathy, myofibrillar, 9, with early respiratory failure. Last evaluated: 2021-09-10. Review status: criteria provided, single submitter. Criteria: ACMG Guidelines, 2015. Collection method: clinical testing. Allele origin: germline. Affected: no.

Genome-Nilou Lab
Classification: Benign for Early-onset myopathy with fatal cardiomyopathy. Last evaluated: 2021-09-10. Review status: criteria provided, single submitter. Criteria: ACMG Guidelines, 2015. Collection method: clinical testing. Allele origin: germline. Affected: no.

Genome-Nilou Lab
Classification: Benign for Tibial muscular dystrophy. Last evaluated: 2021-09-10. Review status: criteria provided, single submitter. Criteria: ACMG Guidelines, 2015. Collection method: clinical testing. Allele origin: germline. Affected: no.

ARUP Laboratories, Molecular Genetics and Genomics, ARUP Laboratories
Classification: Likely benign. Last evaluated: 2021-07-10. Review status: criteria provided, single submitter. Criteria: ARUP Molecular Germline Variant Investigation Process 2021. Collection method: clinical testing. Allele origin: germline.

GeneDx
Classification: Likely benign. Last evaluated: 2020-03-16. Review status: criteria provided, single submitter. Criteria: GeneDx Variant Classification Process June 2021. Collection method: clinical testing. Allele origin: germline. Affected: yes.

Ambry Genetics
Classification: Likely benign for Cardiovascular phenotype. Last evaluated: 2018-08-14. Review status: criteria provided, single submitter. Criteria: Ambry Variant Classification Scheme 2023. Collection method: clinical testing. Allele origin: germline.

Athena Diagnostics
Classification: Benign. Last evaluated: 2016-10-28. Review status: criteria provided, single submitter. Criteria: Athena Diagnostics Criteria. Collection method: clinical testing. Allele origin: germline.

Eurofins Ntd Llc (ga)
Classification: Likely benign. Last evaluated: 2015-08-21. Review status: criteria provided, single submitter. Criteria: EGL Classification Definitions 2015. Collection method: clinical testing. Allele origin: germline. Observed: 1 variant allele, 1 heterozygote.

Laboratory for Molecular Medicine, Mass General Brigham Personalized Medicine
Classification: Likely benign. Last evaluated: 2012-01-24. Review status: criteria provided, single submitter. Criteria: LMM Criteria. Collection method: clinical testing. Allele origin: germline. Observed: 3 variant alleles.
Comment: Arg4091Lys in exon 45B of TTN: This variant is not expected to have clinical sig nificance because it has been identified in 0.4% (12/3118) of African American c hromosomes by the NHLBI Exome Sequencing Project in a broad population. Arg4091Lys in exon 45B of TTN (allele frequency = 0. 4%, 12/3118) **

PreventionGenetics, part of Exact Sciences
Classification: Likely benign for TTN-related condition. Last evaluated: 2021-01-27. Review status: no assertion criteria provided. Collection method: clinical testing. Allele origin: germline. Not counted in ClinVar's aggregate classification.
Comment: This variant is classified as likely benign based on ACMG/AMP sequence variant interpretation guidelines (Richards et al. 2015 PMID: 25741868, with internal and published modifications).

Clinical Genetics, Academic Medical Center
Classification: Benign. Review status: no assertion criteria provided. Collection method: clinical testing. Allele origin: germline. Affected: yes. Study: VKGL Data-share Consensus. Not counted in ClinVar's aggregate classification.

Laboratory of Diagnostic Genome Analysis, Leiden University Medical Center (LUMC)
Classification: Likely benign. Review status: no assertion criteria provided. Collection method: clinical testing. Allele origin: germline. Affected: yes. Study: VKGL Data-share Consensus. Not counted in ClinVar's aggregate classification.

Literature cited by the submitters: PubMed 28767663 (cited by Women's Health and Genetics/Laboratory Corporation of America, LabCorp).

NM_001267550.2(TTN):c.12986G>A (p.Arg4329Lys)

Gene: TTN (titin; minus strand). Cytogenetic location: 2q31.2.
Variant type: single nucleotide variant.
Coding change: c.12986G>A on transcript NM_001267550.2 (MANE Select); coding-DNA position 12986, G replaced by A.
Protein change: p.Arg4329Lys; replaces arginine 4329 with lysine.
Molecular consequence: missense variant. On other transcripts: intron variant (1).
Genome position (GRCh38, 1-based): chr2:178,740,247, C>T on the plus strand (G>A on the coding strand, the complement: TTN is on the minus strand). VCF-style: chr2-178740247-C-T. GRCh37 (hg19) VCF-style: chr2-179604974-C-T.
Other names: p.R4012K:AGA>AAA; c.12035G>A, p.Arg4012Lys (NM_001256850.1); c.11897G>A, p.Arg3966Lys (NM_003319.4); c.12272G>A, p.Arg4091Lys (NM_133432.3); c.12473G>A, p.Arg4158Lys (NM_133437.4); c.10361-1887G>A (NM_133378.4); short protein forms R4329K, R4091K, R4012K, R3966K, R4158K.
Identifiers: ClinVar variation 47832 (VCV000047832.41), dbSNP rs199560188, ClinGen allele CA142003.